The following is an entry in ClinVar:

NM_001374623.1(PNPLA1):c.863A>G (p.Glu288Gly)

Gene: PNPLA1 (patatin like domain 1, omega-hydroxyceramide transacylase; plus strand). Cytogenetic location: 6p21.31.
Variant type: single nucleotide variant.
Coding change: c.863A>G on transcript NM_001374623.1 (MANE Select); coding-DNA position 863, A replaced by G.
Protein change: p.Glu288Gly; replaces glutamic acid 288 with glycine.
Molecular consequence: missense variant.
Genome position (GRCh38, 1-based): chr6:36,301,948, A>G. VCF-style: chr6-36301948-A-G. GRCh37 (hg19) VCF-style: chr6-36269725-A-G.
Other names: c.863A>G, p.Glu288Gly (NM_001145717.1); c.605A>G, p.Glu202Gly (NM_001145716.2); c.578A>G, p.Glu193Gly (NM_173676.2); short protein forms E193G, E288G, E202G.
Identifiers: ClinVar variation 356566 (VCV000356566.15), dbSNP rs34598813, ClinGen allele CA3777881.

ClinVar aggregate classification (germline): Benign/Likely benign. Review status: criteria provided, multiple submitters, no conflicts (2 of 4 stars). 5 submissions from 5 submitters: Benign (3); Likely benign (2). Last evaluated 2026-02-04.

Conditions:
Autosomal recessive congenital ichthyosis 10 (ARCI10). Identifiers: Orphanet 79394, MedGen C3554355, MONDO:0014011, OMIM 615024.

Allele frequency attached by ClinVar (database versions not stated): gnomAD exomes 0.06408 and 0.06416; ExAC 0.06610; 1000 Genomes Project 30x 0.07573; gnomAD 0.07716 and 0.07866; 1000 Genomes Project 0.07847; ESP Exome Variant Server 0.08019; TOPMed 0.08118.
gnomAD v4.1: 105,575 of 1,614,132 alleles (6.5%); highest among the groups gnomAD compares: African/African-American, 12%; 3,698 homozygotes.

Submissions (5):

Labcorp Genetics (formerly Invitae), Labcorp
Classification: Benign. Last evaluated: 2026-02-04. Review status: criteria provided, single submitter. Criteria: Invitae Variant Classification Sherloc (09022015). Collection method: clinical testing. Allele origin: germline.

Women's Health and Genetics/Laboratory Corporation of America, LabCorp
Classification: Likely benign. Last evaluated: 2021-05-03. Review status: criteria provided, single submitter. Criteria: LabCorp Variant Classification Summary - May 2015. Collection method: clinical testing. Allele origin: germline.

GeneDx
Classification: Benign. Last evaluated: 2018-11-12. Review status: criteria provided, single submitter. Criteria: GeneDx Variant Classification Process June 2021. Collection method: clinical testing. Allele origin: germline. Affected: yes.

Illumina Laboratory Services, Illumina
Classification: Benign for Autosomal recessive congenital ichthyosis 10. Last evaluated: 2018-01-12. Review status: criteria provided, single submitter. Criteria: ICSL Variant Classification Criteria 13 December 2019. Collection method: clinical testing. Allele origin: germline.
Comment: This variant was observed in the ICSL laboratory as part of a predisposition screen in an ostensibly healthy population. It had not been previously curated by ICSL or reported in the Human Gene Mutation Database (HGMD: prior to June 1st, 2018), and was therefore a candidate for classification through an automated scoring system. Utilizing variant allele frequency, disease prevalence and penetrance estimates, and inheritance mode, an automated score was calculated to assess if this variant is too frequent to cause the disease. Based on the score and internal cut-off values, a variant classified as benign is not then subjected to further curation. The score for this variant resulted in a classification of benign for this disease.

Breakthrough Genomics
Classification: Likely benign. Review status: criteria provided, single submitter. Criteria: ACMG Guidelines, 2015. Collection method: not provided. Allele origin: germline. Inheritance: Autosomal recessive inheritance. Affected: yes.